The following is an entry in ClinVar:

NM_002485.5(NBN):c.2227C>A (p.Leu743Ile)

Gene: NBN (nibrin; minus strand). Cytogenetic location: 8q21.3.
Variant type: single nucleotide variant.
Coding change: c.2227C>A on transcript NM_002485.5 (MANE Select); coding-DNA position 2227, C replaced by A.
Protein change: p.Leu743Ile; replaces leucine 743 with isoleucine.
Molecular consequence: missense variant.
Genome position (GRCh38, 1-based): chr8:89,937,033, G>T on the plus strand (C>A on the coding strand, the complement: NBN is on the minus strand). VCF-style: chr8-89937033-G-T. GRCh37 (hg19) VCF-style: chr8-90949261-G-T.
Other names: c.1981C>A, p.Leu661Ile (NM_001024688.3); short protein forms L661I, L743I.
Identifiers: ClinVar variation 1370386 (VCV001370386.8), dbSNP rs894189734, ClinGen allele CA181268717.

ClinVar aggregate classification (germline): Uncertain significance (1 of 4 stars; one submission).

Conditions:
Microcephaly, normal intelligence and immunodeficiency (NBS). Also called: Nijmegen breakage syndrome; SEEMANOVA SYNDROME II; IMMUNODEFICIENCY, MICROCEPHALY, AND CHROMOSOMAL INSTABILITY; Immunodeficiency, microcephaly with normal intelligence; Ataxia telangiectasia variant V1; Microcephaly with normal intelligence immunodeficiency and lymphoreticular malignancies. Identifiers: Orphanet 647, MedGen C0398791, MONDO:0009623, OMIM 251260.

Submission:

Labcorp Genetics (formerly Invitae), Labcorp
Classification: Uncertain significance for Microcephaly, normal intelligence and immunodeficiency. Last evaluated: 2021-02-07. Review status: criteria provided, single submitter. Criteria: Invitae Variant Classification Sherloc (09022015). Collection method: clinical testing. Allele origin: germline.
Comment: Algorithms developed to predict the effect of missense changes on protein structure and function are either unavailable or do not agree on the potential impact of this missense change (SIFT: "Tolerated"; PolyPhen-2: "Probably Damaging"; Align-GVGD: "Class C0"). In summary, the available evidence is currently insufficient to determine the role of this variant in disease. Therefore, it has been classified as a Variant of Uncertain Significance. This variant has not been reported in the literature in individuals with NBN-related conditions. This sequence change replaces leucine with isoleucine at codon 743 of the NBN protein (p.Leu743Ile). The leucine residue is moderately conserved and there is a small physicochemical difference between leucine and isoleucine. This variant is not present in population databases (ExAC no frequency).